The following is an entry in ClinVar:

NM_001572.5(IRF7):c.218G>A (p.Ser73Asn)

Gene: IRF7 (interferon regulatory factor 7; minus strand). Cytogenetic location: 11p15.5.
Variant type: single nucleotide variant.
Coding change: c.218G>A on transcript NM_001572.5 (MANE Select); coding-DNA position 218, G replaced by A.
Protein change: p.Ser73Asn; replaces serine 73 with asparagine.
Molecular consequence: missense variant.
Genome position (GRCh38, 1-based): chr11:614,973, C>T on the plus strand (G>A on the coding strand, the complement: IRF7 is on the minus strand). VCF-style: chr11-614973-C-T. GRCh37 (hg19) VCF-style: chr11-614973-C-T.
Other names: c.218G>A, p.Ser73Asn (NM_004029.4); c.257G>A, p.Ser86Asn (NM_004031.4); short protein forms S86N, S73N.
Identifiers: ClinVar variation 3724464 (VCV003724464.2).
Genomic context (GRCh38, chr11:614,973, plus strand): 5'-GTTTTCCAGCCGGCGCGCTCCGCAGTCTCAGCCTCGGGGGGCGGGCCACCTCCCCTGCTG[C>T]TAGGCGGCCACCTGCCGCGGGCCACAGCCCAGGCCTGAAGAGGGGGACAGAACACGTGTG-3'
Protein context (NP_001563.2, residues 63-83): WAVARGRWPP[Ser73Asn]SRGGGPPPEA

ClinVar aggregate classification (germline): Uncertain significance (1 of 4 stars; one submission).

Conditions:
Immunodeficiency 39 (IMD39). Identifiers: Orphanet 574918, MedGen C4225358, MONDO:0014597, OMIM 616345.

Submission:

Labcorp Genetics (formerly Invitae), Labcorp
Classification: Uncertain significance for Immunodeficiency 39. Last evaluated: 2024-11-02. Review status: criteria provided, single submitter. Criteria: Invitae Variant Classification Sherloc (09022015). Collection method: clinical testing. Allele origin: germline.
Comment: This sequence change replaces serine, which is neutral and polar, with asparagine, which is neutral and polar, at codon 86 of the IRF7 protein (p.Ser86Asn). This variant is not present in population databases (gnomAD no frequency). This variant has not been reported in the literature in individuals affected with IRF7-related conditions. An algorithm developed to predict the effect of missense changes on protein structure and function outputs the following: PolyPhen-2: "Benign". The asparagine amino acid residue is found in multiple mammalian species, which suggests that this missense change does not adversely affect protein function. In summary, the available evidence is currently insufficient to determine the role of this variant in disease. Therefore, it has been classified as a Variant of Uncertain Significance.